The following is an entry in ClinVar:

ClinVar aggregate classification (germline): Likely pathogenic (1 of 4 stars; one submission).

Conditions:
Autosomal recessive osteopetrosis 2. Also called: OSTEOPETROSIS, MILD AUTOSOMAL RECESSIVE FORM. Identifiers: Orphanet 667, MedGen C1850126, MONDO:0009816, OMIM 259710.

Allele frequency attached by ClinVar (database versions not stated): gnomAD exomes below 0.00001; TOPMed below 0.00001.
gnomAD v4.1: 1 of 1,614,174 alleles (0.000062%); highest among the groups gnomAD compares: Non-Finnish European, 0.000085%; no homozygotes.

Submission:

3billion
Classification: Likely pathogenic for Autosomal recessive osteopetrosis 2. Last evaluated: 2022-03-22. Review status: criteria provided, single submitter. Criteria: ACMG Guidelines, 2015. Collection method: clinical testing. Allele origin: germline. Affected: yes. Observed: 1 homozygote.
Comment: Stop-gained (nonsense): predicted to result in a loss or disruption of normal protein function through protein truncation. The predicted truncated protein may be shortened by more than 10%. This variant has been reported to be associated with TNFSF11 related disorder (PMID:23762088).It is not observed in the gnomAD v2.1.1 dataset. Therefore, this variant is classified as likely pathogenic according to the recommendation of ACMG/AMP guideline.

Literature cited by the submitters: PubMed 23762088.

NM_003701.4(TNFSF11):c.667C>T (p.Arg223Ter)

Gene: TNFSF11 (TNF superfamily member 11; plus strand). Cytogenetic location: 13q14.11.
Variant type: single nucleotide variant.
Coding change: c.667C>T on transcript NM_003701.4 (MANE Select); coding-DNA position 667, C replaced by T.
Protein change: p.Arg223Ter; replaces arginine 223 with a stop codon.
Molecular consequence: nonsense.
Genome position (GRCh38, 1-based): chr13:42,606,631, C>T. VCF-style: chr13-42606631-C-T. GRCh37 (hg19) VCF-style: chr13-43180767-C-T.
Other names: c.448C>T, p.Arg150Ter (NM_033012.4); short protein forms R150*, R223*.
Identifiers: ClinVar variation 1526053 (VCV001526053.1), dbSNP rs267603829, ClinGen allele CA249053399.